The following is an entry in ClinVar:

NM_001875.5(CPS1):c.1087-7C>T

Gene: CPS1 (carbamoyl-phosphate synthase 1; plus strand). Cytogenetic location: 2q34.
Variant type: single nucleotide variant.
Coding change: c.1087-7C>T on transcript NM_001875.5 (MANE Select); 7 bases into the intron before coding-DNA position 1087, C replaced by T.
Molecular consequence: intron variant.
Genome position (GRCh38, 1-based): chr2:210,592,872, C>T. VCF-style: chr2-210592872-C-T. GRCh37 (hg19) VCF-style: chr2-211457596-C-T.
Other names: c.1087-7C>T (LRG_336t1, NM_001369257.1, NM_001122633.3); c.1120-7C>T (NM_001369256.1).
Identifiers: ClinVar variation 334021 (VCV000334021.18), dbSNP rs202117044, ClinGen allele CA2086247.

ClinVar aggregate classification (germline): Conflicting classifications of pathogenicity. Review status: criteria provided, conflicting classifications (1 of 4 stars). 4 submissions from 4 submitters: Uncertain significance (1); Likely benign (2). 1 of the submissions does not count toward it. Last evaluated 2025-10-05.

Conditions:
Congenital hyperammonemia, type I. Also called: CPS I DEFICIENCY; Carbamoyl phosphate synthetase 1 deficiency; Hyperammonemia due to carbamoyl phosphate synthetase 1 deficiency; CPS 1 deficiency; Carbamyl phosphate synthetase (CPS) deficiency; Carbamoyl phosphate synthetase I deficiency disease. Identifiers: Orphanet 147, MedGen C4082171, MONDO:0009376, OMIM 237300.

Allele frequency attached by ClinVar (database versions not stated): TOPMed 0.00006; ExAC 0.00007; gnomAD 0.00008 and 0.00009; gnomAD exomes 0.00008 and 0.00009; ESP Exome Variant Server 0.00015.
gnomAD v4.1: 141 of 1,610,798 alleles (0.0088%); highest among the groups gnomAD compares: Non-Finnish European, 0.012%; no homozygotes.

Submissions (4):

Labcorp Genetics (formerly Invitae), Labcorp
Classification: Likely benign for Congenital hyperammonemia, type I. Last evaluated: 2025-10-05. Review status: criteria provided, single submitter. Criteria: Invitae Variant Classification Sherloc (09022015). Collection method: clinical testing. Allele origin: germline.

Illumina Laboratory Services, Illumina
Classification: Uncertain significance for Congenital hyperammonemia, type I. Last evaluated: 2018-01-12. Review status: criteria provided, single submitter. Criteria: ICSL Variant Classification Criteria 13 December 2019. Collection method: clinical testing. Allele origin: germline.

GeneDx
Classification: Likely benign. Last evaluated: 2017-12-22. Review status: criteria provided, single submitter. Criteria: GeneDx Variant Classification (06012015). Collection method: clinical testing. Allele origin: germline. Affected: yes.
Comment: This variant is considered likely benign or benign based on one or more of the following criteria: it is a conservative change, it occurs at a poorly conserved position in the protein, it is predicted to be benign by multiple in silico algorithms, and/or has population frequency not consistent with disease.

Natera, Inc.
Classification: Uncertain significance for Carbamoyl-phosphate synthase I deficiency. Last evaluated: 2020-01-24. Review status: no assertion criteria provided. Collection method: clinical testing. Allele origin: germline. Not counted in ClinVar's aggregate classification.